The following is an entry in ClinVar:

NM_133259.4(LRPPRC):c.650+1G>A

Gene: LRPPRC (leucine rich pentatricopeptide repeat containing; minus strand). Cytogenetic location: 2p21.
Variant type: single nucleotide variant.
Coding change: c.650+1G>A on transcript NM_133259.4 (MANE Select); the canonical splice donor site of the intron after coding-DNA position 650, G replaced by A.
Molecular consequence: splice donor variant.
Genome position (GRCh38, 1-based): chr2:43,976,993, C>T on the plus strand (G>A on the coding strand, the complement: LRPPRC is on the minus strand). VCF-style: chr2-43976993-C-T. GRCh37 (hg19) VCF-style: chr2-44204132-C-T.
Other names: c.650+1G>A (NM_133259.3).
Identifiers: ClinVar variation 2676294 (VCV002676294.5), dbSNP rs1249427615, ClinGen allele CA346675473.

ClinVar aggregate classification (germline): Likely pathogenic. Review status: criteria provided, multiple submitters, no conflicts (2 of 4 stars). 3 submissions from 3 submitters: Likely pathogenic (3). Last evaluated 2024-05-31.

Conditions:
Congenital lactic acidosis, Saguenay-Lac-Saint-Jean type (MC4DN5). Also called: CYTOCHROME c OXIDASE DEFICIENCY, FRENCH CANADIAN TYPE; COX DEFICIENCY, FRENCH CANADIAN TYPE; MITOCHONDRIAL COMPLEX IV DEFICIENCY, NUCLEAR TYPE 5. Identifiers: Orphanet 70472, MedGen C1857355, MONDO:0009069, OMIM 220111.

Allele frequency attached by ClinVar (database versions not stated): TOPMed below 0.00001.

Submissions (3):

Natera, Inc.
Classification: Likely pathogenic for French-Canadian type Leigh syndrome. Last evaluated: 2024-05-31. Review status: criteria provided, single submitter. Criteria: Natera Variant Classification Schema (03/2026). Collection method: clinical testing. Allele origin: germline.
Comment: The c.650+1G>A variant in LRPPRC is a canonical splice donor site variant predicted to affect pre-mRNA splicing, which may result in an abnormal transcript and altered protein product. This variant is expected to result in nonsense mediated decay, truncation, or a dysfunctional protein product. This variant is rare in the general population with a frequency below the threshold expected for the associated phenotype(s). Given the available evidence, this variant is classified as Likely Pathogenic.

Baylor Genetics
Classification: Likely pathogenic for Congenital lactic acidosis, Saguenay-Lac-Saint-Jean type. Last evaluated: 2023-09-20. Review status: criteria provided, single submitter. Criteria: ACMG Guidelines, 2015. Collection method: clinical testing. Allele origin: unknown.

Labcorp Genetics (formerly Invitae), Labcorp
Classification: Likely pathogenic. Last evaluated: 2022-11-03. Review status: criteria provided, single submitter. Criteria: Invitae Variant Classification Sherloc (09022015). Collection method: clinical testing. Allele origin: germline.
Comment: In summary, the currently available evidence indicates that the variant is pathogenic, but additional data are needed to prove that conclusively. Therefore, this variant has been classified as Likely Pathogenic. Algorithms developed to predict the effect of sequence changes on RNA splicing suggest that this variant may disrupt the consensus splice site. This variant has not been reported in the literature in individuals affected with LRPPRC-related conditions. This variant is not present in population databases (gnomAD no frequency). This sequence change affects a donor splice site in intron 5 of the LRPPRC gene. It is expected to disrupt RNA splicing. Variants that disrupt the donor or acceptor splice site typically lead to a loss of protein function (PMID: 16199547), and loss-of-function variants in LRPPRC are known to be pathogenic (PMID: 26510951).

Literature cited by the submitters: PubMed 16199547 (cited by Labcorp Genetics (formerly Invitae), Labcorp); PubMed 26510951 (cited by Labcorp Genetics (formerly Invitae), Labcorp).